The following is an entry in ClinVar:

ClinVar aggregate classification (germline): Conflicting classifications of pathogenicity. Review status: criteria provided, conflicting classifications (1 of 4 stars). 2 submissions from 2 submitters: Pathogenic (1); Uncertain significance (1). Last evaluated 2025-07-02.

Conditions:
Bethlem myopathy 1A. Also called: MYOPATHY, BENIGN CONGENITAL, WITH CONTRACTURES; Bethlem Muscular Dystrophy; Bethlem myopathy 1. Identifiers: Orphanet 610, MedGen CN029274, MONDO:0024530, OMIM 158810.

Submissions (2):

Labcorp Genetics (formerly Invitae), Labcorp
Classification: Pathogenic for Bethlem myopathy 1A. Last evaluated: 2025-07-02. Review status: criteria provided, single submitter. Criteria: Invitae Variant Classification Sherloc (09022015). Collection method: clinical testing. Allele origin: germline.
Comment: This sequence change replaces glycine, which is neutral and non-polar, with serine, which is neutral and polar, at codon 274 of the COL6A2 protein (p.Gly274Ser). This variant is not present in population databases (gnomAD no frequency). This missense change has been observed in individual(s) with autosomal dominant Ullrich congenital muscular dystrophy (PMID: 34167565). ClinVar contains an entry for this variant (Variation ID: 841452). Invitae Evidence Modeling of protein sequence and biophysical properties (such as structural, functional, and spatial information, amino acid conservation, physicochemical variation, residue mobility, and thermodynamic stability) indicates that this missense variant is expected to disrupt COL6A2 protein function with a positive predictive value of 80%. This variant disrupts the triple helix domain of COL6A2. Glycine residues within the Gly-Xaa-Yaa repeats of the triple helix domain are required for the structure and stability of fibrillar collagens (PMID: 7695699, 8218237, 19344236). In COL6A2, missense variants at these glycine residues are significantly enriched in individuals with autosomal dominant disease (PMID: 15689448, 24038877) compared to the general population (ExAC). For these reasons, this variant has been classified as Pathogenic.

Revvity Omics, Revvity
Classification: Uncertain significance. Last evaluated: 2020-11-03. Review status: criteria provided, single submitter. Criteria: ACMG Guidelines, 2015. Collection method: clinical testing. Allele origin: germline.

Literature cited by the submitters: PubMed 34167565 (cited by Labcorp Genetics (formerly Invitae), Labcorp); PubMed 7695699 (cited by Labcorp Genetics (formerly Invitae), Labcorp); PubMed 8218237 (cited by Labcorp Genetics (formerly Invitae), Labcorp); PubMed 19344236 (cited by Labcorp Genetics (formerly Invitae), Labcorp); PubMed 15689448 (cited by Labcorp Genetics (formerly Invitae), Labcorp); PubMed 24038877 (cited by Labcorp Genetics (formerly Invitae), Labcorp).

NM_001849.4(COL6A2):c.820G>A (p.Gly274Ser)

Gene: COL6A2 (collagen type VI alpha 2 chain; plus strand). Cytogenetic location: 21q22.3.
Variant type: single nucleotide variant.
Coding change: c.820G>A on transcript NM_001849.4 (MANE Select); coding-DNA position 820, G replaced by A.
Protein change: p.Gly274Ser; replaces glycine 274 with serine.
Molecular consequence: missense variant.
Genome position (GRCh38, 1-based): chr21:46,115,890, G>A. VCF-style: chr21-46115890-G-A. GRCh37 (hg19) VCF-style: chr21-47535804-G-A.
Other names: c.820G>A, p.Gly274Ser (NM_058174.3, NM_058175.3); short protein forms G274S.
Identifiers: ClinVar variation 841452 (VCV000841452.12), dbSNP rs2078462673, ClinGen allele CA410524716.